The following is an entry in ClinVar:

ClinVar aggregate classification (germline): Likely benign (0 of 4 stars; one submission).

Conditions:
LEPR-related disorder. Also called: LEPR-related condition; LEPR-related disorders.

Allele frequency attached by ClinVar (database versions not stated): ExAC 0.00005; gnomAD 0.00007; TOPMed 0.00012.
gnomAD v4.1: 204 of 1,612,288 alleles (0.013%); highest among the groups gnomAD compares: Admixed American, 0.025%; no homozygotes.

Submission:

PreventionGenetics, part of Exact Sciences
Classification: Likely benign for LEPR-related condition. Last evaluated: 2022-03-24. Review status: no assertion criteria provided. Collection method: clinical testing. Allele origin: germline.
Comment: This variant is classified as likely benign based on ACMG/AMP sequence variant interpretation guidelines (Richards et al. 2015 PMID: 25741868, with internal and published modifications).

NM_002303.6(LEPR):c.2673+3165A>G

Gene: LEPR (leptin receptor; plus strand). Cytogenetic location: 1p31.3.
Variant type: single nucleotide variant.
Coding change: c.2673+3165A>G on transcript NM_002303.6 (MANE Select); 3165 bases into the intron after coding-DNA position 2673, A replaced by G.
Molecular consequence: intron variant. On other transcripts: synonymous variant (1).
Genome position (GRCh38, 1-based): chr1:65,626,146, A>G. VCF-style: chr1-65626146-A-G. GRCh37 (hg19) VCF-style: chr1-66091829-A-G.
Other names: c.2697A>G, p.Leu899= (NM_001198688.1); c.2673+3165A>G (NM_001003679.3, NM_001003680.3, NM_001198689.2 and 1 more transcripts).
Identifiers: ClinVar variation 3034672 (VCV003034672.2), dbSNP rs749822105, ClinGen allele CA895088.